The following is an entry in ClinVar:

ClinVar aggregate classification (germline): Uncertain significance (1 of 4 stars; one submission).

Conditions:
Immunodeficiency. Identifiers: MedGen C0021051, MONDO:0021094, HP:0002721.

Submission:

Labcorp Genetics (formerly Invitae), Labcorp
Classification: Uncertain significance for Immunodeficiency. Last evaluated: 2023-03-20. Review status: criteria provided, single submitter. Criteria: Invitae Variant Classification Sherloc (09022015). Collection method: clinical testing. Allele origin: germline.
Comment: This variant is present in population databases (rs769916605, gnomAD 0.04%), and has an allele count higher than expected for a pathogenic variant. This variant, c.2421_2429del, results in the deletion of 3 amino acid(s) of the NFAT5 protein (p.Gln810_Gln812del), but otherwise preserves the integrity of the reading frame. This variant has not been reported in the literature in individuals affected with NFAT5-related conditions. Experimental studies and prediction algorithms are not available or were not evaluated, and the functional significance of this variant is currently unknown. In summary, the available evidence is currently insufficient to determine the role of this variant in disease. Therefore, it has been classified as a Variant of Uncertain Significance.

NM_138713.4(NFAT5):c.2694GCA[3] (p.Gln904_Gln906del)

Gene: NFAT5 (nuclear factor of activated T cells 5; plus strand). Cytogenetic location: 16q22.1.
Variant type: Microsatellite.
Coding change: c.2694GCA[3] on transcript NM_138713.4 (MANE Select); three copies in a row of the 3-base unit GCA starting at c.2694; the reference has six copies in a row; three copies, 9 bases deleted.
Protein change: p.Gln904_Gln906del.
Molecular consequence: inframe deletion.
Genome position (GRCh38, 1-based): chr16:69,692,528-69,692,536, GCAGCAGCA deleted; deleting any 9 consecutive bases within chr16:69,692,517-69,692,536 gives the same sequence; the position shown is the placement nearest the transcript's 3' end. VCF-style (leftmost placement, unchanged base first): chr16-69692516-ACAGCAGCAG-A. GRCh37 (hg19) VCF-style: chr16-69726419-ACAGCAGCAG-A.
Other names: c.2691GCA[3], p.Gln903_Gln905del (NM_001113178.3); c.2019GCA[3], p.Gln679_Gln681del (NM_001367709.1); c.2640GCA[3], p.Gln886_Gln888del (NM_006599.4); c.2412GCA[3], p.Gln810_Gln812del (NM_138714.4, NM_173214.3, NM_173215.3).
Identifiers: ClinVar variation 1432776 (VCV001432776.9), dbSNP rs369235958, ClinGen allele CA8135793.